The following is an entry in ClinVar:

ClinVar aggregate classification (germline): Benign (1 of 4 stars; one submission).

Conditions:
Myostatin-related muscle hypertrophy (MSLHP). Also called: MUSCLE HYPERTROPHY. Identifiers: Orphanet 275534, MedGen C2931112, MONDO:0013598, OMIM 614160.

Allele frequency attached by ClinVar (database versions not stated): gnomAD exomes 0.00009 and 0.00019; gnomAD 0.00012 and 0.00013; TOPMed 0.00012; ExAC 0.00017; ESP Exome Variant Server 0.00023.
gnomAD v4.1: 164 of 1,607,468 alleles (0.01%); highest among the groups gnomAD compares: Non-Finnish European, 0.0012%; no homozygotes.

Submission:

Illumina Laboratory Services, Illumina
Classification: Benign for Myostatin-related muscle hypertrophy. Last evaluated: 2018-01-13. Review status: criteria provided, single submitter. Criteria: ICSL Variant Classification Criteria 13 December 2019. Collection method: clinical testing. Allele origin: germline.
Comment: This variant was observed in the ICSL laboratory as part of a predisposition screen in an ostensibly healthy population. It had not been previously curated by ICSL or reported in the Human Gene Mutation Database (HGMD: prior to June 1st, 2018), and was therefore a candidate for classification through an automated scoring system. Utilizing variant allele frequency, disease prevalence and penetrance estimates, and inheritance mode, an automated score was calculated to assess if this variant is too frequent to cause the disease. Based on the score and internal cut-off values, a variant classified as benign is not then subjected to further curation. The score for this variant resulted in a classification of benign for this disease.

NM_005259.3(MSTN):c.-17A>C

Genes: C2orf88 (chromosome 2 open reading frame 88; plus strand), MSTN (myostatin; minus strand). Cytogenetic location: 2q32.2.
Variant type: single nucleotide variant.
Coding change: c.-17A>C on transcript NM_005259.3 (MANE Select); 17 bases upstream of the start codon, A replaced by C.
Molecular consequence: 5 prime UTR variant.
Genome position (GRCh38, 1-based): chr2:190,062,613, T>G on the plus strand (A>C on the coding strand, the complement: MSTN is on the minus strand). VCF-style: chr2-190062613-T-G. GRCh37 (hg19) VCF-style: chr2-190927339-T-G.
Other names: c.-17A>C (LRG_200t1).
Identifiers: ClinVar variation 333244 (VCV000333244.5), dbSNP rs201887141, ClinGen allele CA2027226.